The following is an entry in ClinVar:

ClinVar aggregate classification (germline): Uncertain significance (1 of 4 stars; one submission).

gnomAD v4.1: 3 of 1,613,856 alleles (0.00019%); highest among the groups gnomAD compares: Non-Finnish European, 0.00025%; no homozygotes.

Submission:

Labcorp Genetics (formerly Invitae), Labcorp
Classification: Uncertain significance. Last evaluated: 2025-07-27. Review status: criteria provided, single submitter. Criteria: Invitae Variant Classification Sherloc (09022015). Collection method: clinical testing. Allele origin: germline.
Comment: This sequence change replaces leucine, which is neutral and non-polar, with isoleucine, which is neutral and non-polar, at codon 468 of the FOCAD protein (p.Leu468Ile). This variant is not present in population databases (gnomAD no frequency). This variant has not been reported in the literature in individuals affected with FOCAD-related conditions. Experimental studies and prediction algorithms are not available or were not evaluated, and the functional significance of this variant is currently unknown. In summary, the available evidence is currently insufficient to determine the role of this variant in disease. Therefore, it has been classified as a Variant of Uncertain Significance.

NM_001375567.1(FOCAD):c.1402C>A (p.Leu468Ile)

Gene: FOCAD (focadhesin; plus strand). Cytogenetic location: 9p21.3.
Variant type: single nucleotide variant.
Coding change: c.1402C>A on transcript NM_001375567.1 (MANE Select); coding-DNA position 1402, C replaced by A.
Protein change: p.Leu468Ile; replaces leucine 468 with isoleucine.
Molecular consequence: missense variant.
Genome position (GRCh38, 1-based): chr9:20,789,555, C>A. VCF-style: chr9-20789555-C-A. GRCh37 (hg19) VCF-style: chr9-20789554-C-A.
Other names: c.1402C>A, p.Leu468Ile (NM_001375568.1, NM_017794.5); c.1297C>A, p.Leu433Ile (NM_001375570.1); short protein forms L468I, L433I.
Identifiers: ClinVar variation 4724020 (VCV004724020.1).
Genomic context (GRCh38, chr9:20,789,555, plus strand): 5'-ATCCCTGCGCCTGCCTTTCTTCTGCTGGCTCACCTCCTTGTTGAAGACAAAGGACAAAAT[C>A]TTCACCAAATACTCAAGGTCACTACAGAATTAGCCCAAGCAGATTCCTCCCAGGTAAAGC-3'
Protein context (NP_001362496.1, residues 458-478): HLLVEDKGQN[Leu468Ile]HQILKVTTEL